The following is an entry in ClinVar:

ClinVar aggregate classification (germline): Uncertain significance. Review status: criteria provided, multiple submitters, no conflicts (2 of 4 stars). 2 submissions from 2 submitters: Uncertain significance (2). Last evaluated 2024-04-17.

Allele frequency attached by ClinVar (database versions not stated): TOPMed below 0.00001; gnomAD exomes 0.00002; gnomAD 0.00004; ExAC 0.00009; 1000 Genomes Project 30x 0.00031; 1000 Genomes Project 0.00040.
gnomAD v4.1: 43 of 1,612,344 alleles (0.0027%); highest among the groups gnomAD compares: South Asian, 0.04%; no homozygotes.

Submissions (2):

Labcorp Genetics (formerly Invitae), Labcorp
Classification: Uncertain significance. Last evaluated: 2024-04-17. Review status: criteria provided, single submitter. Criteria: Invitae Variant Classification Sherloc (09022015). Collection method: clinical testing. Allele origin: germline.
Comment: This sequence change replaces valine, which is neutral and non-polar, with methionine, which is neutral and non-polar, at codon 77 of the NPPC protein (p.Val77Met). This variant is present in population databases (rs549498447, gnomAD 0.04%), and has an allele count higher than expected for a pathogenic variant. This variant has not been reported in the literature in individuals affected with NPPC-related conditions. ClinVar contains an entry for this variant (Variation ID: 2486427). An algorithm developed to predict the effect of missense changes on protein structure and function (PolyPhen-2) suggests that this variant is likely to be disruptive. In summary, the available evidence is currently insufficient to determine the role of this variant in disease. Therefore, it has been classified as a Variant of Uncertain Significance.

Ambry Genetics
Classification: Uncertain significance. Last evaluated: 2023-02-16. Review status: criteria provided, single submitter. Criteria: Ambry Variant Classification Scheme 2023. Collection method: clinical testing. Allele origin: germline.

NM_024409.4(NPPC):c.229G>A (p.Val77Met)

Gene: NPPC (natriuretic peptide C; minus strand). Cytogenetic location: 2q37.1.
Variant type: single nucleotide variant.
Coding change: c.229G>A on transcript NM_024409.4 (MANE Select); coding-DNA position 229, G replaced by A.
Protein change: p.Val77Met; replaces valine 77 with methionine.
Molecular consequence: missense variant.
Genome position (GRCh38, 1-based): chr2:231,925,577, C>T on the plus strand (G>A on the coding strand, the complement: NPPC is on the minus strand). VCF-style: chr2-231925577-C-T. GRCh37 (hg19) VCF-style: chr2-232790287-C-T.
Other names: short protein forms V77M.
Identifiers: ClinVar variation 2486427 (VCV002486427.4), dbSNP rs549498447, ClinGen allele CA2163624.
Genomic context (GRCh38, chr2:231,925,577, plus strand): 5'-TGCGCGCGTTGGGGTGCTCTTGCAGAAGGCGAGCCCACGCTGCCCGCGACTTGGTGTCCA[C>T]GCGCAGGTCCCGGAGCAGTCGCGACCGGTCGCCCTTGAGATTGGCGCCCCCGCCCCCGGG-3'
Protein context (NP_077720.1, residues 67-87): DRSRLLRDLR[Val77Met]DTKSRAAWAR